The following is an entry in ClinVar:

ClinVar aggregate classification (germline): Uncertain significance. Review status: criteria provided, multiple submitters, no conflicts (2 of 4 stars). 4 submissions from 4 submitters: Uncertain significance (4). Last evaluated 2026-02-03.

Conditions:
Familial ovarian cancer. Identifiers: MedGen C5679802, MONDO:0016248.
Hereditary cancer-predisposing syndrome. Also called: Hereditary neoplastic syndrome; Neoplastic Syndromes, Hereditary; Tumor predisposition; Hereditary Cancer Syndrome. Identifiers: Orphanet 140162, MedGen C0027672, MeSH D009386, MONDO:0015356.
Fanconi anemia complementation group J. Also called: BRIP1-Related Fanconi Anemia. Identifiers: Orphanet 84, MedGen C1836860, MONDO:0012187, OMIM 609054.
Familial cancer of breast. Also called: BREAST CANCER, FAMILIAL; hereditary breast carcinoma; Hereditary breast cancer. Identifiers: Orphanet 227535, MedGen C0346153, MONDO:0016419, OMIM 114480. Disease mechanism: loss of function.

gnomAD v4.1: 1 of 1,609,932 alleles (0.000062%); highest among the groups gnomAD compares: Non-Finnish European, 0.000085%; no homozygotes.

Submissions (4):

Labcorp Genetics (formerly Invitae), Labcorp
Classification: Uncertain significance for Familial cancer of breast; Fanconi anemia complementation group J. Last evaluated: 2026-02-03. Review status: criteria provided, single submitter. Criteria: Invitae Variant Classification Sherloc (09022015). Collection method: clinical testing. Allele origin: germline.
Comment: This sequence change replaces cysteine, which is neutral and slightly polar, with glycine, which is neutral and non-polar, at codon 832 of the BRIP1 protein (p.Cys832Gly). This variant is not present in population databases (gnomAD no frequency). This variant has not been reported in the literature in individuals affected with BRIP1-related conditions. ClinVar contains an entry for this variant (Variation ID: 461113). Invitae Evidence Modeling of protein sequence and biophysical properties (such as structural, functional, and spatial information, amino acid conservation, physicochemical variation, residue mobility, and thermodynamic stability) has been performed for this missense variant. However, the output from this modeling did not meet the statistical confidence thresholds required to predict the impact of this variant on BRIP1 protein function. In summary, the available evidence is currently insufficient to determine the role of this variant in disease. Therefore, it has been classified as a Variant of Uncertain Significance.

Molecular Pathology, Peter Maccallum Cancer Centre
Classification: Uncertain significance for Familial ovarian cancer. Last evaluated: 2024-11-22. Review status: criteria provided, single submitter. Criteria: ACMG Guidelines, 2015. Collection method: clinical testing. Allele origin: germline. Inheritance: Autosomal dominant inheritance.

Ambry Genetics
Classification: Uncertain significance for Hereditary cancer-predisposing syndrome. Last evaluated: 2024-11-02. Review status: criteria provided, single submitter. Criteria: Ambry Variant Classification Scheme 2023. Collection method: clinical testing. Allele origin: germline.
Comment: The p.C832G variant (also known as c.2494T>G), located in coding exon 17 of the BRIP1 gene, results from a T to G substitution at nucleotide position 2494. The cysteine at codon 832 is replaced by glycine, an amino acid with highly dissimilar properties. This amino acid position is highly conserved in available vertebrate species. In addition, this alteration is predicted to be deleterious by in silico analysis. Since supporting evidence is limited at this time, the clinical significance of this alteration remains unclear.

Color Diagnostics, LLC DBA Color Health
Classification: Uncertain significance for Hereditary cancer-predisposing syndrome. Last evaluated: 2019-04-29. Review status: criteria provided, single submitter. Criteria: ACMG Guidelines, 2015. Collection method: clinical testing. Allele origin: germline.

NM_032043.3(BRIP1):c.2494T>G (p.Cys832Gly)

Gene: BRIP1 (BRCA1 interacting DNA helicase 1; minus strand). Cytogenetic location: 17q23.2.
Variant type: single nucleotide variant.
Coding change: c.2494T>G on transcript NM_032043.3 (MANE Select); coding-DNA position 2494, T replaced by G.
Protein change: p.Cys832Gly; replaces cysteine 832 with glycine.
Molecular consequence: missense variant.
Genome position (GRCh38, 1-based): chr17:61,693,511, A>C on the plus strand (T>G on the coding strand, the complement: BRIP1 is on the minus strand). VCF-style: chr17-61693511-A-C. GRCh37 (hg19) VCF-style: chr17-59770872-A-C.
Other names: short protein forms C832G.
Identifiers: ClinVar variation 461113 (VCV000461113.19), dbSNP rs768222842, ClinGen allele CA400482506.